The following is an entry in ClinVar:

NM_030662.4(MAP2K2):c.45C>T (p.Asn15=)

Genes: MAP2K2 (mitogen-activated protein kinase kinase 2; minus strand), LOC130063193 (ATAC-STARR-seq lymphoblastoid silent region 9881; plus strand). Cytogenetic location: 19p13.3.
Variant type: single nucleotide variant.
Coding change: c.45C>T on transcript NM_030662.4 (MANE Select); coding-DNA position 45, C replaced by T.
Protein change: p.Asn15=; no amino-acid change (asparagine 15 retained).
Molecular consequence: synonymous variant.
Genome position (GRCh38, 1-based): chr19:4,123,831, G>A on the plus strand (C>T on the coding strand, the complement: MAP2K2 is on the minus strand). VCF-style: chr19-4123831-G-A. GRCh37 (hg19) VCF-style: chr19-4123828-G-A.
Other names: NM_030662.3(MAP2K2):c.45C>T.
Identifiers: ClinVar variation 448954 (VCV000448954.4), dbSNP rs767770776, ClinGen allele CA9091108.

ClinVar aggregate classification (germline): Likely benign. Review status: reviewed by expert panel (3 of 4 stars). 2 submissions from 2 submitters: Likely benign (1). 1 of the submissions does not count toward it. Last evaluated 2017-05-09.

Conditions:
RASopathy. Also called: Noonan spectrum disorder; rasopathies. Identifiers: Orphanet 536391, MedGen C5555857, MONDO:0021060.

Allele frequency attached by ClinVar (database versions not stated): gnomAD below 0.00001 and 0.00001; gnomAD exomes 0.00002 and 0.00006; ExAC 0.00016.
gnomAD v4.1: 25 of 1,546,464 alleles (0.0016%); highest among the groups gnomAD compares: South Asian, 0.025%; no homozygotes.

Submissions (2):

ClinGen RASopathy Variant Curation Expert Panel
Classification: Likely benign for Noonan syndrome and Noonan-related syndrome. Last evaluated: 2017-05-09. Review status: reviewed by expert panel. Criteria: ClinGen RASopathy ACMG Specifications v1. Collection method: curation. Allele origin: germline. Inheritance: Autosomal dominant inheritance.
Comment: The filtering allele frequency of the c.45C>T (p.Asn15=) variant in the MAP2K2 gene is 0.0295% (6/8856) of South Asian chromosomes by the Exome Aggregation Consortium, which is a high enough frequency to be classified as likely benign based on thresholds defined by the ClinGen RASopathy Expert Panel (BS1; PMID:29493581)

Labcorp Genetics (formerly Invitae), Labcorp
Classification: Likely benign for RASopathy. Last evaluated: 2025-08-06. Review status: criteria provided, single submitter. Criteria: Invitae Variant Classification Sherloc (09022015). Collection method: clinical testing. Allele origin: germline. Not counted in ClinVar's aggregate classification.